The following is an entry in ClinVar:

ClinVar aggregate classification (germline): Pathogenic/Likely pathogenic. Review status: criteria provided, multiple submitters, no conflicts (2 of 4 stars). 3 submissions from 3 submitters: Pathogenic (1); Likely pathogenic (2). Last evaluated 2025-09-25.

Conditions:
Smith-Lemli-Opitz syndrome (SLOS). Also called: LETHAL ACRODYSGENITAL SYNDROME; POLYDACTYLY, SEX REVERSAL, RENAL HYPOPLASIA, AND UNILOBAR LUNG; RSH SYNDROME; RUTLEDGE LETHAL MULTIPLE CONGENITAL ANOMALY SYNDROME; 7-Dehydrocholesterol reductase deficiency. Identifiers: Orphanet 818, MedGen C0175694, MONDO:0010035, OMIM 270400.

Allele frequency attached by ClinVar (database versions not stated): gnomAD exomes below 0.00001 and 0.00002; ExAC 0.00001.
gnomAD v4.1: 35 of 1,614,234 alleles (0.0022%); highest among the groups gnomAD compares: East Asian, 0.0045%; no homozygotes.

Submissions (3):

Women's Health and Genetics/Laboratory Corporation of America, LabCorp
Classification: Likely pathogenic for Smith-Lemli-Opitz syndrome. Last evaluated: 2025-09-25. Review status: criteria provided, single submitter. Criteria: LabCorp Variant Classification Summary - May 2015. Collection method: clinical testing. Allele origin: germline.
Comment: Variant summary: DHCR7 c.575C>T (p.Ser192Phe) results in a non-conservative amino acid change in the encoded protein sequence. Algorithms developed to predict the effect of missense changes on protein structure and function all suggest that this variant is likely to be disruptive. The variant allele was found at a frequency of 4e-06 in 250474 control chromosomes. c.575C>T has been observed in individual(s) affected with Smith-Lemli-Opitz Syndrome(e.g. Witch-Baumgartner_2005, Eroglu_2017, Matsumoto_2005). These data indicate that the variant may be associated with disease. To our knowledge, no experimental evidence demonstrating an impact on protein function has been reported. The following publications have been ascertained in the context of this evaluation (PMID: 28349652, 16044199, 15776424). ClinVar contains an entry for this variant (Variation ID: 1458037). Based on the evidence outlined above, the variant was classified as likely pathogenic.

Natera, Inc.
Classification: Likely pathogenic for Smith-Lemli-Opitz syndrome. Last evaluated: 2025-06-30. Review status: criteria provided, single submitter. Criteria: Natera Variant Classification Schema (03/2026). Collection method: clinical testing. Allele origin: germline.
Comment: The c.575C>T variant in DHCR7 is a missense variant predicted to cause substitution of serine to phenylalanine at amino acid 192. This variant is rare in the general population with a frequency below the threshold expected for the associated phenotype(s). This variant has been observed in one or more individuals affected with the associated recessive disease, as either homozygous or compound heterozygous with a second variant (PMID: 16044199, 15776424, 24500076, 23918729). Computational prediction algorithms indicate this variant is likely to affect gene or protein function. Given the available evidence, this variant is classified as Likely Pathogenic.

Labcorp Genetics (formerly Invitae), Labcorp
Classification: Pathogenic for Smith-Lemli-Opitz syndrome. Last evaluated: 2025-03-19. Review status: criteria provided, single submitter. Criteria: Invitae Variant Classification Sherloc (09022015). Collection method: clinical testing. Allele origin: germline.
Comment: This sequence change replaces serine, which is neutral and polar, with phenylalanine, which is neutral and non-polar, at codon 192 of the DHCR7 protein (p.Ser192Phe). This variant is present in population databases (rs766299724, gnomAD 0.0009%). This missense change has been observed in individual(s) with Smith-Lemli-Opitz syndrome (PMID: 15776424, 16044199). In at least one individual the data is consistent with being in trans (on the opposite chromosome) from a pathogenic variant. ClinVar contains an entry for this variant (Variation ID: 1458037). Invitae Evidence Modeling of protein sequence and biophysical properties (such as structural, functional, and spatial information, amino acid conservation, physicochemical variation, residue mobility, and thermodynamic stability) indicates that this missense variant is expected to disrupt DHCR7 protein function with a positive predictive value of 95%. For these reasons, this variant has been classified as Pathogenic.

Literature cited by the submitters: PubMed 15776424 (cited by 3 submitters); PubMed 28349652 (cited by Women's Health and Genetics/Laboratory Corporation of America, LabCorp); PubMed 16044199 (cited by 3 submitters); PubMed 24500076 (cited by Natera, Inc.); PubMed 23918729 (cited by Natera, Inc.).

NM_001360.3(DHCR7):c.575C>T (p.Ser192Phe)

Gene: DHCR7 (7-dehydrocholesterol reductase; minus strand). Cytogenetic location: 11q13.4.
Variant type: single nucleotide variant.
Coding change: c.575C>T on transcript NM_001360.3 (MANE Select); coding-DNA position 575, C replaced by T.
Protein change: p.Ser192Phe; replaces serine 192 with phenylalanine.
Molecular consequence: missense variant.
Genome position (GRCh38, 1-based): chr11:71,441,278, G>A on the plus strand (C>T on the coding strand, the complement: DHCR7 is on the minus strand). VCF-style: chr11-71441278-G-A. GRCh37 (hg19) VCF-style: chr11-71152324-G-A.
Other names: c.575C>T, p.Ser192Phe (NM_001163817.2); c.575C>T (NM_001360.2); short protein forms S192F.
Identifiers: ClinVar variation 1458037 (VCV001458037.13), dbSNP rs766299724, ClinGen allele CA6162531.